The following is an entry in ClinVar:

ClinVar aggregate classification (germline): Uncertain significance (1 of 4 stars; one submission).

Conditions:
Familial thoracic aortic aneurysm and aortic dissection (TAAD). Also called: Thoracic aortic aneurysms and dissections. Identifiers: Orphanet 91387, MedGen C4707243, MONDO:0019625.

Submission:

Ambry Genetics
Classification: Uncertain significance for Familial thoracic aortic aneurysm and aortic dissection. Last evaluated: 2021-06-16. Review status: criteria provided, single submitter. Criteria: Ambry Variant Classification Scheme 2023. Collection method: clinical testing. Allele origin: germline.
Comment: The p.H210R variant (also known as c.629A>G), located in coding exon 4 of the NOTCH1 gene, results from an A to G substitution at nucleotide position 629. The histidine at codon 210 is replaced by arginine, an amino acid with highly similar properties. This amino acid position is not well conserved in available vertebrate species. In addition, the in silico prediction for this alteration is inconclusive. Since supporting evidence is limited at this time, the clinical significance of this alteration remains unclear.

NM_017617.5(NOTCH1):c.629A>G (p.His210Arg)

Gene: NOTCH1 (notch receptor 1; minus strand). Cytogenetic location: 9q34.3.
Variant type: single nucleotide variant.
Coding change: c.629A>G on transcript NM_017617.5 (MANE Select); coding-DNA position 629, A replaced by G.
Protein change: p.His210Arg; replaces histidine 210 with arginine.
Molecular consequence: missense variant.
Genome position (GRCh38, 1-based): chr9:136,522,963, T>C on the plus strand (A>G on the coding strand, the complement: NOTCH1 is on the minus strand). VCF-style: chr9-136522963-T-C. GRCh37 (hg19) VCF-style: chr9-139417415-T-C.
Other names: short protein forms H210R.
Identifiers: ClinVar variation 1752684 (VCV001752684.2), dbSNP rs1843397763, ClinGen allele CA375569771.